The following is an entry in ClinVar:

NM_080680.3(COL11A2):c.889G>A (p.Gly297Ser)

Gene: COL11A2 (collagen type XI alpha 2 chain; minus strand). Cytogenetic location: 6p21.32.
Variant type: single nucleotide variant.
Coding change: c.889G>A on transcript NM_080680.3 (MANE Select); coding-DNA position 889, G replaced by A.
Protein change: p.Gly297Ser; replaces glycine 297 with serine.
Molecular consequence: missense variant. On other transcripts: intron variant (1).
Genome position (GRCh38, 1-based): chr6:33,185,042, C>T on the plus strand (G>A on the coding strand, the complement: COL11A2 is on the minus strand). VCF-style: chr6-33185042-C-T. GRCh37 (hg19) VCF-style: chr6-33152819-C-T.
Other names: c.811G>A, p.Gly271Ser (NM_080681.3); c.798+1585G>A (NM_080679.3); short protein forms G297S, G271S.
Identifiers: ClinVar variation 198609 (VCV000198609.30), dbSNP rs139116571, ClinGen allele CA247358.

ClinVar aggregate classification (germline): Conflicting classifications of pathogenicity. Review status: criteria provided, conflicting classifications (1 of 4 stars). 10 submissions from 10 submitters: Uncertain significance (9); Likely benign (1). Last evaluated 2026-01-19.

Conditions:
Connective tissue disorder. Also called: Connective tissue disease. Identifiers: MedGen C0009782, MONDO:0003900.
COL11A2-related disorder. Also called: COL11A2-related condition; COL11A2-related disorders.
Autosomal recessive nonsyndromic hearing loss 53. Identifiers: Orphanet 90636, MedGen C1864746, MONDO:0012333, OMIM 609706.
Autosomal dominant nonsyndromic hearing loss 13. Identifiers: Orphanet 90635, MedGen C1866095, MONDO:0011159, OMIM 601868.
Otospondylomegaepiphyseal dysplasia, autosomal recessive (OSMEDB). Also called: Insley-Astley syndrome; CHONDRODYSTROPHY WITH SENSORINEURAL DEAFNESS. Identifiers: Orphanet 1427, MedGen CN034493, MONDO:0044206, OMIM 215150.
Fibrochondrogenesis 2 (FBCG2). Identifiers: Orphanet 2021, MedGen C3281128, MONDO:0013795, OMIM 614524.
Otospondylomegaepiphyseal dysplasia, autosomal dominant (OSMEDA). Also called: COL11A2-Related Stickler Syndrome; Stickler syndrome, type 3; Pierre Robin syndrome with fetal chondrodysplasia. Identifiers: Orphanet 166100, Orphanet 3450, MedGen C1848488, MONDO:0008490, OMIM 184840.
Nonsyndromic genetic hearing loss. Also called: Nonsyndromic hearing loss and deafness; Non-syndromic genetic deafness; Nonsyndromic genetic deafness. Identifiers: Orphanet 87884, MedGen C5680182, MONDO:0019497.

Allele frequency attached by ClinVar (database versions not stated): ESP Exome Variant Server 0.00010; gnomAD 0.00011 and 0.00012.

Submissions (10):

Labcorp Genetics (formerly Invitae), Labcorp
Classification: Likely benign. Last evaluated: 2026-01-19. Review status: criteria provided, single submitter. Criteria: Invitae Variant Classification Sherloc (09022015). Collection method: clinical testing. Allele origin: germline.

PreventionGenetics, part of Exact Sciences
Classification: Uncertain significance for COL11A2-related condition. Last evaluated: 2025-06-10. Review status: criteria provided, single submitter. Criteria: ACMG Guidelines, 2015. Collection method: clinical testing. Allele origin: germline.
Comment: The COL11A2 c.889G>A variant is predicted to result in the amino acid substitution p.Gly297Ser. To our knowledge, this variant has not been reported in the literature. This variant is reported in 0.021% of alleles in individuals of European (Non-Finnish) descent in gnomAD. At this time, the clinical significance of this variant is uncertain due to the absence of conclusive functional and genetic evidence.

GeneDx
Classification: Uncertain significance. Last evaluated: 2025-02-11. Review status: criteria provided, single submitter. Criteria: GeneDx Variant Classification Process June 2021. Collection method: clinical testing. Allele origin: germline. Affected: yes.
Comment: In silico analysis indicates that this missense variant does not alter protein structure/function; Has not been previously published as pathogenic or benign to our knowledge; This variant is associated with the following publications: (PMID: 25633957)

Department of Pathology and Laboratory Medicine, Sinai Health System
Classification: Uncertain significance for nonsyndromic genetic hearing loss. Last evaluated: 2022-02-14. Review status: criteria provided, single submitter. Criteria: ACMG Guidelines, 2015. Collection method: research. Allele origin: germline.

Genome Diagnostics Laboratory, The Hospital for Sick Children
Classification: Uncertain significance for Connective tissue disorder. Last evaluated: 2019-12-01. Review status: criteria provided, single submitter. Criteria: ACMG Guidelines, 2015. Collection method: clinical testing. Allele origin: germline.

Fulgent Genetics
Classification: Uncertain significance for Otospondylomegaepiphyseal dysplasia, autosomal dominant; Otospondylomegaepiphyseal dysplasia, autosomal recessive; Autosomal dominant nonsyndromic hearing loss 13; Autosomal recessive nonsyndromic hearing loss 53; Fibrochondrogenesis 2. Last evaluated: 2018-10-31. Review status: criteria provided, single submitter. Criteria: ACMG Guidelines, 2015. Collection method: clinical testing. Allele origin: unknown.

Geisinger Autism and Developmental Medicine Institute, Geisinger Health System
Classification: Uncertain significance for Otospondylomegaepiphyseal dysplasia, autosomal dominant. Last evaluated: 2017-10-03. Review status: criteria provided, single submitter. Criteria: ACMG Guidelines, 2015. Collection method: provider interpretation, clinical testing. Allele origin: maternal. Observed: 1 variant allele.
Comment: Dysmorphic facial features include midface depression, prominent forehead, low set and posteriorly rotated ears, and micrognathia. Computational model predictions are inconsistent. A second VUS was also identified in COLL11A2, inheritance is unknown.

Institute of Human Genetics, University of Leipzig Medical Center
Classification: Uncertain significance for Autosomal dominant nonsyndromic hearing loss 13. Last evaluated: 2017-02-24. Review status: criteria provided, single submitter. Criteria: ACMG Guidelines, 2015. Collection method: clinical testing. Allele origin: germline. Affected: yes. Observed: 1 variant allele.

Laboratory for Molecular Medicine, Mass General Brigham Personalized Medicine
Classification: Uncertain significance. Last evaluated: 2015-06-22. Review status: criteria provided, single submitter. Criteria: LMM Criteria. Collection method: clinical testing. Allele origin: germline. Observed: 1 variant allele.
Comment: The p.Gly297Ser variant in COL11A2 has not been previously reported in individua ls with hearing loss, but has been identified in 1/6758 European American chromo somes by the NHLBI Exome sequencing project (dbSNP rs139116571). Computational prediction tools and conservation analyses su ggest that the p.Gly297Ser variant may not impact the protein, though this infor mation is not predictive enough to rule out pathogenicity. In summary, the clini cal significance of the p.Gly297Ser variant is uncertain.

Eurofins Ntd Llc (ga)
Classification: Uncertain significance. Last evaluated: 2014-10-08. Review status: criteria provided, single submitter. Criteria: EGL Classification Definitions 2015. Collection method: clinical testing. Allele origin: germline. Observed: 1 variant allele, 1 heterozygote.

Literature cited by the submitters: PubMed 25633957 (cited by Geisinger Autism and Developmental Medicine Institute, Geisinger Health System).